The following is an entry in ClinVar:

NM_005633.4(SOS1):c.671A>C (p.Lys224Thr)

Gene: SOS1 (SOS Ras/Rac guanine nucleotide exchange factor 1; minus strand). Cytogenetic location: 2p22.1.
Variant type: single nucleotide variant.
Coding change: c.671A>C on transcript NM_005633.4 (MANE Select); coding-DNA position 671, A replaced by C.
Protein change: p.Lys224Thr; replaces lysine 224 with threonine.
Molecular consequence: missense variant.
Genome position (GRCh38, 1-based): chr2:39,054,663, T>G on the plus strand (A>C on the coding strand, the complement: SOS1 is on the minus strand). VCF-style: chr2-39054663-T-G. GRCh37 (hg19) VCF-style: chr2-39281804-T-G.
Other names: c.650A>C, p.Lys217Thr (NM_001382394.1); c.671A>C, p.Lys224Thr (NM_001382395.1); short protein forms K217T, K224T.
Identifiers: ClinVar variation 3342875 (VCV003342875.1).
Genomic context (GRCh38, chr2:39,054,663, plus strand): 5'-ATGATACTTACATTAGCTGAAAACAATTTTGAATTGGAGACAAAGGGCTCTCTAAAAACT[T>G]TTATAATTAGATTTAGTTCCCTTATATATTGTCGAATTTCTGCCATAAATGCTTTTACCA-3'
Protein context (NP_005624.2, residues 214-234): QYIRELNLII[Lys224Thr]VFREPFVSNS

ClinVar aggregate classification (germline): Uncertain significance (1 of 4 stars; one submission).

Submission:

GeneDx
Classification: Uncertain significance. Last evaluated: 2023-06-29. Review status: criteria provided, single submitter. Criteria: GeneDx Variant Classification Process June 2021. Collection method: clinical testing. Allele origin: germline. Affected: yes.
Comment: Not observed at significant frequency in large population cohorts (gnomAD); Missense variants in this gene are often considered pathogenic (HGMD); In silico analysis supports that this missense variant has a deleterious effect on protein structure/function; Has not been previously published as pathogenic or benign to our knowledge; This variant is associated with the following publications: (PMID: 29493581)